The following is an entry in ClinVar:

ClinVar aggregate classification (germline): Uncertain significance (1 of 4 stars; one submission).

Conditions:
Ehlers-Danlos syndrome, classic type, 1 (EDSCL1). Also called: EHLERS-DANLOS SYNDROME, GRAVIS TYPE; EHLERS-DANLOS SYNDROME, SEVERE CLASSIC TYPE; Ehlers-Danlos syndrome, type 1; Ehlers-Danlos Syndrome, Classic Type, COL5A1-Related; EDS I. Identifiers: MedGen C0268335, MONDO:0019567, OMIM 130000.
Osteogenesis imperfecta type I (OI1). Also called: OI, TYPE I; OSTEOGENESIS IMPERFECTA TARDA; OSTEOGENESIS IMPERFECTA WITH BLUE SCLERAE; Osteogenesis imperfecta type 1; Lobstein's Disease; Lobstein disease. Identifiers: Orphanet 216796, Orphanet 666, MedGen C0023931, MONDO:0008146, OMIM 166200. Disease mechanism: loss of function.

Submission:

Labcorp Genetics (formerly Invitae), Labcorp
Classification: Uncertain significance for Osteogenesis imperfecta type I; Ehlers-Danlos syndrome, classic type, 1. Last evaluated: 2024-04-16. Review status: criteria provided, single submitter. Criteria: Invitae Variant Classification Sherloc (09022015). Collection method: clinical testing. Allele origin: germline.
Comment: This sequence change replaces proline, which is neutral and non-polar, with histidine, which is basic and polar, at codon 482 of the COL1A2 protein (p.Pro482His). Information on the frequency of this variant in the gnomAD database is not available, as this variant may be reported differently in the database. This variant has not been reported in the literature in individuals affected with COL1A2-related conditions. Experimental studies and prediction algorithms are not available or were not evaluated, and the functional significance of this variant is currently unknown. In summary, the available evidence is currently insufficient to determine the role of this variant in disease. Therefore, it has been classified as a Variant of Uncertain Significance.

NM_000089.4(COL1A2):c.1445_1446delinsAC (p.Pro482His)

Gene: COL1A2 (collagen type I alpha 2 chain; plus strand). Cytogenetic location: 7q21.3.
Variant type: Indel.
Coding change: c.1445_1446delinsAC on transcript NM_000089.4 (MANE Select); coding-DNA positions 1445 to 1446, CA replaced by AC.
Protein change: p.Pro482His; replaces proline 482 with histidine.
Molecular consequence: missense variant.
Genome position (GRCh38, 1-based): chr7:94,412,624-94,412,625, CA replaced by AC. VCF-style: chr7-94412624-CA-AC. GRCh37 (hg19) VCF-style: chr7-94041936-CA-AC.
Other names: short protein forms P482H.
Identifiers: ClinVar variation 3751670 (VCV003751670.2).